The following is an entry in ClinVar:

NM_021098.3(CACNA1H):c.1891G>C (p.Gly631Arg)

Gene: CACNA1H (calcium voltage-gated channel subunit alpha1 H; plus strand). Cytogenetic location: 16p13.3.
Variant type: single nucleotide variant.
Coding change: c.1891G>C on transcript NM_021098.3 (MANE Select); coding-DNA position 1891, G replaced by C.
Protein change: p.Gly631Arg; replaces glycine 631 with arginine.
Molecular consequence: missense variant.
Genome position (GRCh38, 1-based): chr16:1,202,341, G>C. VCF-style: chr16-1202341-G-C. GRCh37 (hg19) VCF-style: chr16-1252341-G-C.
Other names: c.1891G>C, p.Gly631Arg (NM_001005407.2); short protein forms G631R.
Identifiers: ClinVar variation 2945743 (VCV002945743.3), dbSNP rs369898856, ClinGen allele CA394162938.
Genomic context (GRCh38, chr16:1,202,341, plus strand): 5'-ATGAACTACCCCACGATCCTGCCCTCAGGGGTGGGCAGCGGCAAAGGCAGCACCAGCCCC[G>C]GACCCAAGGGGAAGTGGGCCGGTGGACCGCCAGGCACCGGGGGGCACGGCCCGTTGAGCT-3'
Protein context (NP_066921.2, residues 621-641): VGSGKGSTSP[Gly631Arg]PKGKWAGGPP

ClinVar aggregate classification (germline): Uncertain significance (1 of 4 stars; one submission).

Conditions:
Idiopathic generalized epilepsy. Also called: Generalised epilepsy; EIG. Identifiers: MedGen C0270850, MONDO:0005579, OMIM 600669.
Hyperaldosteronism, familial, type IV (HALD4). Also called: FH IV; ALDOSTERONISM, PRIMARY, AND HYPERTENSION. Identifiers: Orphanet 642671, MedGen C4310756, MONDO:0014875, OMIM 617027.

Submission:

Labcorp Genetics (formerly Invitae), Labcorp
Classification: Uncertain significance for Idiopathic generalized epilepsy; Hyperaldosteronism, familial, type IV. Last evaluated: 2023-03-24. Review status: criteria provided, single submitter. Criteria: Invitae Variant Classification Sherloc (09022015). Collection method: clinical testing. Allele origin: germline.
Comment: This sequence change replaces glycine, which is neutral and non-polar, with arginine, which is basic and polar, at codon 631 of the CACNA1H protein (p.Gly631Arg). This variant is not present in population databases (gnomAD no frequency). This variant has not been reported in the literature in individuals affected with CACNA1H-related conditions. Advanced modeling of protein sequence and biophysical properties (such as structural, functional, and spatial information, amino acid conservation, physicochemical variation, residue mobility, and thermodynamic stability) performed at Invitae indicates that this missense variant is not expected to disrupt CACNA1H protein function. In summary, the available evidence is currently insufficient to determine the role of this variant in disease. Therefore, it has been classified as a Variant of Uncertain Significance.